The following is an entry in ClinVar:

NM_001204.7(BMPR2):c.732G>C (p.Lys244Asn)

Gene: BMPR2 (bone morphogenetic protein receptor type 2; plus strand). Cytogenetic location: 2q33.2.
Variant type: single nucleotide variant.
Coding change: c.732G>C on transcript NM_001204.7 (MANE Select); coding-DNA position 732, G replaced by C.
Protein change: p.Lys244Asn; replaces lysine 244 with asparagine.
Molecular consequence: missense variant.
Genome position (GRCh38, 1-based): chr2:202,518,932, G>C. VCF-style: chr2-202518932-G-C. GRCh37 (hg19) VCF-style: chr2-203383655-G-C.
Other names: short protein forms K244N.
Identifiers: ClinVar variation 4597673 (VCV004597673.1).

ClinVar aggregate classification (germline): Uncertain significance (1 of 4 stars; one submission).

Conditions:
Inborn genetic diseases. Identifiers: MedGen C0950123, MeSH D030342.

Submission:

Ambry Genetics
Classification: Uncertain significance for Inborn genetic diseases. Last evaluated: 2025-11-07. Review status: criteria provided, single submitter. Criteria: Ambry Variant Classification Scheme 2023. Collection method: clinical testing. Allele origin: germline.
Comment: The p.K244N variant (also known as c.732G>C), located in coding exon 6 of the BMPR2 gene, results from a G to C substitution at nucleotide position 732. The lysine at codon 244 is replaced by asparagine, an amino acid with similar properties. This amino acid position is conserved. In addition, this alteration is predicted to be tolerated by in silico analysis. Based on the available evidence, the clinical significance of this variant remains unclear.